The following is an entry in ClinVar:

NM_000528.4(MAN2B1):c.596dup (p.His200fs)

Gene: MAN2B1 (mannosidase alpha class 2B member 1; minus strand). Cytogenetic location: 19p13.13.
Variant type: Duplication.
Coding change: c.596dup on transcript NM_000528.4 (MANE Select); coding-DNA position 596, one base duplicated (G; older notation c.596dupG).
Protein change: p.His200fs; shifts the reading frame from histidine 200.
Molecular consequence: frameshift variant.
Genome position (GRCh38, 1-based): chr19:12,664,826, C duplicated on the plus strand (G on the coding strand, the reverse complement: MAN2B1 is on the minus strand); the first of 2 consecutive C bases (chr19:12,664,826-12,664,827); duplicating either gives the same sequence. VCF-style (leftmost placement, unchanged base first): chr19-12664825-G-GC. GRCh37 (hg19) VCF-style: chr19-12775639-G-GC.
Other names: c.596dup, p.His200fs (NM_001173498.2, NM_001440570.1); short protein forms H200fs.
Identifiers: ClinVar variation 4814318 (VCV004814318.1).

ClinVar aggregate classification (germline): Likely pathogenic (1 of 4 stars; one submission).

Conditions:
Deficiency of alpha-mannosidase (MANSA). Also called: Alpha-Mannosidosis; Mannosidosis, alpha-, types I and II; LYSOSOMAL ALPHA-D-MANNOSIDASE DEFICIENCY. Identifiers: Orphanet 61, MedGen C0024748, MONDO:0009561, OMIM 248500.

Submission:

Natera, Inc.
Classification: Likely pathogenic for Alpha-mannosidosis. Last evaluated: 2024-11-27. Review status: criteria provided, single submitter. Criteria: Natera Variant Classification Schema (03/2026). Collection method: clinical testing. Allele origin: germline.
Comment: The c.596dup variant in MAN2B1 is a frameshift variant predicted to shift the reading frame beginning at codon 200 and leads to a stop codon 23 codons downstream. This variant is expected to result in nonsense mediated decay, truncation, or a dysfunctional protein product. This variant is rare in the general population with a frequency below the threshold expected for the associated phenotype(s). Given the available evidence, this variant is classified as Likely Pathogenic.